The following is an entry in ClinVar:

ClinVar aggregate classification (germline): Uncertain significance (1 of 4 stars; one submission).

Conditions:
Pyridoxine-dependent epilepsy (EPEO4). Also called: Pyridoxine-Dependent Seizures; Pyridoxine-Dependent Epilepsy - ALDH7A1; PYRIDOXINE DEPENDENCY WITH SEIZURES; EPILEPSY, EARLY-ONSET, 4, VITAMIN B6-DEPENDENT. Identifiers: Orphanet 3006, MedGen C1849508, MONDO:0009945, OMIM 266100. Disease mechanism: loss of function.

Submission:

Labcorp Genetics (formerly Invitae), Labcorp
Classification: Uncertain significance for Pyridoxine-dependent epilepsy. Last evaluated: 2024-04-10. Review status: criteria provided, single submitter. Criteria: Invitae Variant Classification Sherloc (09022015). Collection method: clinical testing. Allele origin: germline.
Comment: This sequence change replaces alanine, which is neutral and non-polar, with aspartic acid, which is acidic and polar, at codon 430 of the ALDH7A1 protein (p.Ala430Asp). This variant is not present in population databases (gnomAD no frequency). This variant has not been reported in the literature in individuals affected with ALDH7A1-related conditions. ClinVar contains an entry for this variant (Variation ID: 2101758). Advanced modeling of protein sequence and biophysical properties (such as structural, functional, and spatial information, amino acid conservation, physicochemical variation, residue mobility, and thermodynamic stability) has been performed at Invitae for this missense variant, however the output from this modeling did not meet the statistical confidence thresholds required to predict the impact of this variant on ALDH7A1 protein function. In summary, the available evidence is currently insufficient to determine the role of this variant in disease. Therefore, it has been classified as a Variant of Uncertain Significance.

NM_001182.5(ALDH7A1):c.1289C>A (p.Ala430Asp)

Gene: ALDH7A1 (aldehyde dehydrogenase 7 family member A1; minus strand). Cytogenetic location: 5q23.2.
Variant type: single nucleotide variant.
Coding change: c.1289C>A on transcript NM_001182.5 (MANE Select); coding-DNA position 1289, C replaced by A.
Protein change: p.Ala430Asp; replaces alanine 430 with aspartic acid.
Molecular consequence: missense variant.
Genome position (GRCh38, 1-based): chr5:126,552,049, G>T on the plus strand (C>A on the coding strand, the complement: ALDH7A1 is on the minus strand). VCF-style: chr5-126552049-G-T. GRCh37 (hg19) VCF-style: chr5-125887741-G-T.
Other names: c.1205C>A, p.Ala402Asp (NM_001201377.2); c.1097C>A, p.Ala366Asp (NM_001202404.2); short protein forms A402D, A366D, A430D.
Identifiers: ClinVar variation 2101758 (VCV002101758.4), dbSNP rs2480257803, ClinGen allele CA360722878.